The following is an entry in ClinVar:

NM_020207.7(ERCC6L2):c.3076G>C (p.Val1026Leu)

Gene: ERCC6L2 (ERCC excision repair 6 like 2; plus strand). Cytogenetic location: 9q22.32.
Variant type: single nucleotide variant.
Coding change: c.3076G>C on transcript NM_020207.7 (MANE Select); coding-DNA position 3076, G replaced by C.
Protein change: p.Val1026Leu; replaces valine 1026 with leucine.
Molecular consequence: missense variant. On other transcripts: non-coding transcript variant (1).
Genome position (GRCh38, 1-based): chr9:95,972,827, G>C. VCF-style: chr9-95972827-G-C. GRCh37 (hg19) VCF-style: chr9-98735109-G-C.
Other names: c.3076G>C, p.Val1026Leu (NM_001375291.1, NM_001375292.1, NM_001375293.1 and 1 more transcripts); c.3109G>C (NM_020207.4); short protein forms V1026L.
Identifiers: ClinVar variation 1168766 (VCV001168766.15), dbSNP rs149922601, ClinGen allele CA5139851.

ClinVar aggregate classification (germline): Benign. Review status: criteria provided, single submitter (1 of 4 stars). 5 submissions from 5 submitters: Benign (1). 4 of the submissions do not count toward it. Last evaluated 2026-02-01.

Conditions:
ERCC6L2-related disorder. Also called: ERCC6L2-related condition.

Allele frequency attached by ClinVar (database versions not stated): gnomAD exomes 0.00048 and 0.00127; ExAC 0.00147; gnomAD 0.00512 and 0.00545; TOPMed 0.00556; 1000 Genomes Project 30x 0.00562; 1000 Genomes Project 0.00599.
gnomAD v4.1: 1,324 of 1,304,914 alleles (0.1%); highest among the groups gnomAD compares: African/African-American, 1.8%; 11 homozygotes.

Submissions (5):

Labcorp Genetics (formerly Invitae), Labcorp
Classification: Benign. Last evaluated: 2026-02-01. Review status: criteria provided, single submitter. Criteria: Invitae Variant Classification Sherloc (09022015). Collection method: clinical testing. Allele origin: germline.

Genetic Services Laboratory, University of Chicago
Classification: Likely benign. Last evaluated: 2022-09-06. Review status: no assertion criteria provided. Collection method: clinical testing. Allele origin: germline. Affected: no. Not counted in ClinVar's aggregate classification.

PreventionGenetics, part of Exact Sciences
Classification: Benign for ERCC6L2-related condition. Last evaluated: 2021-01-04. Review status: no assertion criteria provided. Collection method: clinical testing. Allele origin: germline. Not counted in ClinVar's aggregate classification.
Comment: This variant is classified as benign based on ACMG/AMP sequence variant interpretation guidelines (Richards et al. 2015 PMID: 25741868, with internal and published modifications).

Clinical Genetics DNA and cytogenetics Diagnostics Lab, Erasmus MC, Erasmus Medical Center
Classification: Benign. Review status: no assertion criteria provided. Collection method: clinical testing. Allele origin: germline. Affected: yes. Study: VKGL Data-share Consensus. Not counted in ClinVar's aggregate classification.

Genome Diagnostics Laboratory, University Medical Center Utrecht
Classification: Likely benign. Review status: no assertion criteria provided. Collection method: clinical testing. Allele origin: germline. Affected: yes. Study: VKGL Data-share Consensus. Not counted in ClinVar's aggregate classification.